The following is an entry in ClinVar:

ClinVar aggregate classification (germline): Uncertain significance (1 of 4 stars; one submission).

Submission:

GeneDx
Classification: Uncertain significance. Last evaluated: 2023-05-04. Review status: criteria provided, single submitter. Criteria: GeneDx Variant Classification Process June 2021. Collection method: clinical testing. Allele origin: germline. Affected: yes.
Comment: Not observed at significant frequency in large population cohorts (gnomAD); In silico analysis supports that this missense variant does not alter protein structure/function; Has not been previously published as pathogenic or benign to our knowledge

NM_144997.7(FLCN):c.968C>T (p.Thr323Ile)

Gene: FLCN (folliculin; minus strand). Cytogenetic location: 17p11.2.
Variant type: single nucleotide variant.
Coding change: c.968C>T on transcript NM_144997.7 (MANE Select); coding-DNA position 968, C replaced by T.
Protein change: p.Thr323Ile; replaces threonine 323 with isoleucine.
Molecular consequence: missense variant.
Genome position (GRCh38, 1-based): chr17:17,219,113, G>A on the plus strand (C>T on the coding strand, the complement: FLCN is on the minus strand). VCF-style: chr17-17219113-G-A. GRCh37 (hg19) VCF-style: chr17-17122427-G-A.
Other names: c.1022C>T, p.Thr341Ile (NM_001353229.2); c.968C>T, p.Thr323Ile (NM_001353230.2, NM_001353231.2); short protein forms T323I, T341I.
Identifiers: ClinVar variation 3343271 (VCV003343271.1).
Genomic context (GRCh38, chr17:17,219,113, plus strand): 5'-AGCTTCCGGGGCTGCCAGCTCCCACAGCCTGAGAGAGAGGAGGACTCTGCCGGGCCCTGG[G>A]TCAGCTCCCGCCCTTCTGTACTCTCTGGCAACACAGGGGCTTTCTCCTCCTCTTCAGCCT-3'
Protein context (NP_659434.2, residues 313-333): LPESTEGREL[Thr323Ile]QGPAESSSLS